The following is an entry in ClinVar:

NM_024741.3(ZNF408):c.1352C>G (p.Ser451Cys)

Gene: ZNF408 (zinc finger protein 408; plus strand). Cytogenetic location: 11p11.2.
Variant type: single nucleotide variant.
Coding change: c.1352C>G on transcript NM_024741.3 (MANE Select); coding-DNA position 1352, C replaced by G.
Protein change: p.Ser451Cys; replaces serine 451 with cysteine.
Molecular consequence: missense variant.
Genome position (GRCh38, 1-based): chr11:46,705,052, C>G. VCF-style: chr11-46705052-C-G. GRCh37 (hg19) VCF-style: chr11-46726602-C-G.
Other names: c.1328C>G, p.Ser443Cys (NM_001184751.2); short protein forms S451C, S443C.
Identifiers: ClinVar variation 4737611 (VCV004737611.1).

ClinVar aggregate classification (germline): Uncertain significance (1 of 4 stars; one submission).

Submission:

Labcorp Genetics (formerly Invitae), Labcorp
Classification: Uncertain significance. Last evaluated: 2025-10-08. Review status: criteria provided, single submitter. Criteria: Invitae Variant Classification Sherloc (09022015). Collection method: clinical testing. Allele origin: germline.
Comment: This sequence change replaces serine, which is neutral and polar, with cysteine, which is neutral and slightly polar, at codon 451 of the ZNF408 protein (p.Ser451Cys). This variant is not present in population databases (gnomAD no frequency). This missense change has been observed in individual(s) with retinitis pigmentosa (PMID: 28559085). An algorithm developed to predict the effect of missense changes on protein structure and function (PolyPhen-2) suggests that this variant is likely to be disruptive. In summary, the available evidence is currently insufficient to determine the role of this variant in disease. Therefore, it has been classified as a Variant of Uncertain Significance.

Literature cited by the submitters: PubMed 28559085.